The following is an entry in ClinVar:

ClinVar aggregate classification (germline): Likely benign (0 of 4 stars; one submission).

Conditions:
PCNT-related disorder. Also called: PCNT-related condition.

Allele frequency attached by ClinVar (database versions not stated): gnomAD exomes below 0.00001.
gnomAD v4.1: 6 of 1,592,562 alleles (0.00038%); highest among the groups gnomAD compares: East Asian, 0.011%; no homozygotes.

Submission:

PreventionGenetics, part of Exact Sciences
Classification: Likely benign for PCNT-related condition. Last evaluated: 2021-12-31. Review status: no assertion criteria provided. Collection method: clinical testing. Allele origin: germline.
Comment: This variant is classified as likely benign based on ACMG/AMP sequence variant interpretation guidelines (Richards et al. 2015 PMID: 25741868, with internal and published modifications).

NM_006031.6(PCNT):c.*8G>A

Gene: PCNT (pericentrin; plus strand). Cytogenetic location: 21q22.3.
Variant type: single nucleotide variant.
Coding change: c.*8G>A on transcript NM_006031.6 (MANE Select); 8 bases downstream of the stop codon, G replaced by A.
Molecular consequence: 3 prime UTR variant.
Genome position (GRCh38, 1-based): chr21:46,445,335, G>A. VCF-style: chr21-46445335-G-A. GRCh37 (hg19) VCF-style: chr21-47865248-G-A.
Other names: c.*8G>A (NM_001315529.2).
Identifiers: ClinVar variation 3035129 (VCV003035129.2), dbSNP rs1452674982, ClinGen allele CA638202694.